The following is an entry in ClinVar:

ClinVar aggregate classification (germline): Uncertain significance. Review status: criteria provided, multiple submitters, no conflicts (2 of 4 stars). 3 submissions from 3 submitters: Uncertain significance (3). Last evaluated 2024-07-13.

Conditions:
Inborn genetic diseases. Identifiers: MedGen C0950123, MeSH D030342.

gnomAD v4.1: 3 of 1,610,986 alleles (0.00019%); highest among the groups gnomAD compares: African/African-American, 0.004%; no homozygotes.

Submissions (3):

Labcorp Genetics (formerly Invitae), Labcorp
Classification: Uncertain significance. Last evaluated: 2024-07-13. Review status: criteria provided, single submitter. Criteria: Invitae Variant Classification Sherloc (09022015). Collection method: clinical testing. Allele origin: germline.
Comment: This sequence change replaces cysteine, which is neutral and slightly polar, with arginine, which is basic and polar, at codon 575 of the EYS protein (p.Cys575Arg). This variant is present in population databases (rs565418643, gnomAD 0.02%). This variant has not been reported in the literature in individuals affected with EYS-related conditions. Advanced modeling of protein sequence and biophysical properties (such as structural, functional, and spatial information, amino acid conservation, physicochemical variation, residue mobility, and thermodynamic stability) has been performed at Invitae for this missense variant, however the output from this modeling did not meet the statistical confidence thresholds required to predict the impact of this variant on EYS protein function. In summary, the available evidence is currently insufficient to determine the role of this variant in disease. Therefore, it has been classified as a Variant of Uncertain Significance.

Ambry Genetics
Classification: Uncertain significance for Inborn genetic diseases. Last evaluated: 2024-04-19. Review status: criteria provided, single submitter. Criteria: Ambry Variant Classification Scheme 2023. Collection method: clinical testing. Allele origin: germline.

Blueprint Genetics
Classification: Uncertain significance. Last evaluated: 2019-08-15. Review status: criteria provided, single submitter. Criteria: ACMG Guidelines, 2015. Collection method: clinical testing. Allele origin: germline.

NM_001142800.2(EYS):c.1723T>C (p.Cys575Arg)

Gene: EYS (EGF-like photoreceptor maintenance factor; minus strand). Cytogenetic location: 6q12.
Variant type: single nucleotide variant.
Coding change: c.1723T>C on transcript NM_001142800.2 (MANE Select); coding-DNA position 1723, T replaced by C.
Protein change: p.Cys575Arg; replaces cysteine 575 with arginine.
Molecular consequence: missense variant.
Genome position (GRCh38, 1-based): chr6:65,335,023, A>G on the plus strand (T>C on the coding strand, the complement: EYS is on the minus strand). VCF-style: chr6-65335023-A-G. GRCh37 (hg19) VCF-style: chr6-66044916-A-G.
Other names: c.1723T>C, p.Cys575Arg (NM_001142801.2, NM_001292009.2, NM_198283.2); short protein forms C575R.
Identifiers: ClinVar variation 3276904 (VCV003276904.4).